The following is an entry in ClinVar:

NM_001369268.1(ACAN):c.7492G>A (p.Gly2498Arg)

Gene: ACAN (aggrecan; plus strand). Cytogenetic location: 15q26.1.
Variant type: single nucleotide variant.
Coding change: c.7492G>A on transcript NM_001369268.1 (MANE Select); coding-DNA position 7492, G replaced by A.
Protein change: p.Gly2498Arg; replaces glycine 2498 with arginine.
Molecular consequence: missense variant. On other transcripts: intron variant (1).
Genome position (GRCh38, 1-based): chr15:88,873,886, G>A. VCF-style: chr15-88873886-G-A. GRCh37 (hg19) VCF-style: chr15-89417117-G-A.
Other names: c.7378G>A, p.Gly2460Arg (NM_013227.4); c.7220-519G>A (NM_001135.4); short protein forms G2498R, G2460R.
Identifiers: ClinVar variation 1482970 (VCV001482970.8), dbSNP rs200180285, ClinGen allele CA7720710.
Genomic context (GRCh38, chr15:88,873,886, plus strand): 5'-GGTGTTTGCCCCTCAGTGGCCTGCGGAGAGCCCCCTGTGGTGGAGCATGCCAGGACCTTC[G>A]GGCAGAAGAAGGACCGGTATGAGATCAATTCCCTGGTGCGGTACCAGTGCACAGAGGGGT-3'
Protein context (NP_001356197.1, residues 2488-2508): PPVVEHARTF[Gly2498Arg]QKKDRYEINS

ClinVar aggregate classification (germline): Uncertain significance. Review status: criteria provided, multiple submitters, no conflicts (2 of 4 stars). 3 submissions from 3 submitters: Uncertain significance (3). Last evaluated 2026-01-20.

gnomAD v4.1: 154 of 1,613,638 alleles (0.0095%); highest among the groups gnomAD compares: Middle Eastern, 0.033%; 1 homozygote.

Submissions (3):

Labcorp Genetics (formerly Invitae), Labcorp
Classification: Uncertain significance. Last evaluated: 2026-01-20. Review status: criteria provided, single submitter. Criteria: Invitae Variant Classification Sherloc (09022015). Collection method: clinical testing. Allele origin: germline.
Comment: This sequence change replaces glycine, which is neutral and non-polar, with arginine, which is basic and polar, at codon 2460 of the ACAN protein (p.Gly2460Arg). This variant is present in population databases (rs200180285, gnomAD 0.04%). This missense change has been observed in individual(s) with clinical features of ACAN-related disorders (PMID: 38494255). ClinVar contains an entry for this variant (Variation ID: 1482970). An algorithm developed to predict the effect of missense changes on protein structure and function (PolyPhen-2) suggests that this variant is likely to be disruptive. In summary, the available evidence is currently insufficient to determine the role of this variant in disease. Therefore, it has been classified as a Variant of Uncertain Significance.

Blueprint Genetics
Classification: Uncertain significance. Last evaluated: 2024-10-24. Review status: criteria provided, single submitter. Criteria: ACMG Guidelines, 2015. Collection method: clinical testing. Allele origin: germline.

Breakthrough Genomics
Classification: Uncertain significance. Review status: criteria provided, single submitter. Criteria: ACMG Guidelines, 2015. Collection method: not provided. Allele origin: germline. Inheritance: Autosomal recessive inheritance. Affected: yes.

Literature cited by the submitters: PubMed 38494255 (cited by Labcorp Genetics (formerly Invitae), Labcorp).